The following is an entry in ClinVar:

ClinVar aggregate classification (germline): Uncertain significance. Review status: criteria provided, multiple submitters, no conflicts (2 of 4 stars). 6 submissions from 6 submitters: Uncertain significance (6). Last evaluated 2025-12-31.

Conditions:
Cardiovascular phenotype. Identifiers: MedGen CN230736.
Cardiomyopathy (CMYO). Also called: Cardiomyopathies. Identifiers: Orphanet 167848, MedGen C0878544, MONDO:0004994, HP:0001638. Inheritance: Various modes of inheritance.
Hypertrophic cardiomyopathy. Also called: HYPERTROPHIC MYOCARDIOPATHY. Identifiers: Orphanet 217569, MedGen C0007194, MeSH D002312, MONDO:0005045, HP:0001639.

Allele frequency attached by ClinVar (database versions not stated): gnomAD exomes below 0.00001; gnomAD 0.00001; TOPMed 0.00001.
gnomAD v4.1: 7 of 1,564,492 alleles (0.00045%); highest among the groups gnomAD compares: Non-Finnish European, 0.00061%; no homozygotes.

Submissions (6):

Labcorp Genetics (formerly Invitae), Labcorp
Classification: Uncertain significance for Hypertrophic cardiomyopathy. Last evaluated: 2025-12-31. Review status: criteria provided, single submitter. Criteria: Invitae Variant Classification Sherloc (09022015). Collection method: clinical testing. Allele origin: germline.
Comment: This sequence change replaces leucine, which is neutral and non-polar, with proline, which is neutral and non-polar, at codon 156 of the MYBPC3 protein (p.Leu156Pro). This variant is not present in population databases (gnomAD no frequency). This missense change has been observed in individual(s) with hypertrophic cardiomyopathy or dilated cardiomyopathy (PMID: 21750094, 33764162). ClinVar contains an entry for this variant (Variation ID: 181036). An algorithm developed to predict the effect of missense changes on protein structure and function (PolyPhen-2) suggests that this variant is likely to be disruptive. In summary, the available evidence is currently insufficient to determine the role of this variant in disease. Therefore, it has been classified as a Variant of Uncertain Significance.

Color Diagnostics, LLC DBA Color Health
Classification: Uncertain significance for Cardiomyopathy. Last evaluated: 2025-08-20. Review status: criteria provided, single submitter. Criteria: ACMG Guidelines, 2015. Collection method: clinical testing. Allele origin: germline.
Comment: This missense variant replaces leucine with proline at codon 156 of the MYBPC3 protein. Computational prediction is inconclusive regarding the impact of this variant on protein structure and function. To our knowledge, functional studies have not been reported for this variant. This variant has been reported in an individual affected with hypertrophic cardiomyopathy (PMID: 21750094) and in an individual affected with an unspecified cardiomyopathy (PMID: 33764162). This variant has not been identified in the general population by the Genome Aggregation Database (gnomAD). The available evidence is insufficient to determine the role of this variant in disease conclusively. Therefore, this variant is classified as a Variant of Uncertain Significance.

Ambry Genetics
Classification: Uncertain significance for Cardiovascular phenotype. Last evaluated: 2025-08-19. Review status: criteria provided, single submitter. Criteria: Ambry Variant Classification Scheme 2023. Collection method: clinical testing. Allele origin: germline.
Comment: The p.L156P variant (also known as c.467T>C), located in coding exon 4 of the MYBPC3 gene, results from a T to C substitution at nucleotide position 467. The leucine at codon 156 is replaced by proline, an amino acid with similar properties. This variant was reported in individual(s) with features consistent with hypertrophic or dilated cardiomyopathy (Waldm&uuml;ller S et al. Eur. J. Heart Fail., 2011 Nov;13:1185-92; Puckelwartz MJ et al. J Am Heart Assoc. 2021 Apr;10(7):e019944). This amino acid position is highly conserved in available vertebrate species. In addition, this alteration is predicted to be deleterious by in silico analysis. Based on the available evidence, the clinical significance of this variant remains unclear.

Blueprint Genetics
Classification: Uncertain significance. Last evaluated: 2024-01-16. Review status: criteria provided, single submitter. Criteria: ACMG Guidelines, 2015. Collection method: clinical testing. Allele origin: germline.

All of Us Research Program, National Institutes of Health
Classification: Uncertain significance for Hypertrophic cardiomyopathy. Last evaluated: 2023-11-30. Review status: criteria provided, single submitter. Criteria: ACMG Guidelines, 2015. Collection method: clinical testing. Allele origin: germline. Inheritance: Autosomal dominant inheritance. Observed: 5 variant alleles, 5 heterozygotes.
Comment: This missense variant replaces leucine with proline at codon 156 of the MYBPC3 protein. Computational prediction is inconclusive regarding the impact of this variant on protein structure and function (internally defined REVEL score threshold 0.5 < inconclusive < 0.7, PMID: 27666373). To our knowledge, functional studies have not been reported for this variant. This variant has been reported in an individual affected with hypertrophic cardiomyopathy (PMID: 21750094) and in an individual affected with an unspecified cardiomyopathy (PMID: 33764162). This variant has not been identified in the general population by the Genome Aggregation Database (gnomAD). The available evidence is insufficient to determine the role of this variant in disease conclusively. Therefore, this variant is classified as a Variant of Uncertain Significance.

This study involves interpretation of variants in research participants for the purpose of population health screening. Participant phenotype was not available at the time of variant classification. Additional details can be found in publication PMID: 35346344, PMCID: PMC8962531

Mayo Clinic Laboratories, Mayo Clinic
Classification: Uncertain significance. Last evaluated: 2020-10-07. Review status: criteria provided, single submitter. Criteria: ACMG Guidelines, 2015. Collection method: clinical testing. Allele origin: germline. Observed: 1 variant allele.

Literature cited by the submitters: PubMed 21750094 (cited by 4 submitters); PubMed 33764162 (cited by 4 submitters).

NM_000256.3(MYBPC3):c.467T>C (p.Leu156Pro)

Gene: MYBPC3 (myosin binding protein C3; minus strand). Cytogenetic location: 11p11.2.
Variant type: single nucleotide variant.
Coding change: c.467T>C on transcript NM_000256.3 (MANE Select); coding-DNA position 467, T replaced by C.
Protein change: p.Leu156Pro; replaces leucine 156 with proline.
Molecular consequence: missense variant.
Genome position (GRCh38, 1-based): chr11:47,350,052, A>G on the plus strand (T>C on the coding strand, the complement: MYBPC3 is on the minus strand). VCF-style: chr11-47350052-A-G. GRCh37 (hg19) VCF-style: chr11-47371603-A-G.
Other names: c.467T>C, p.Leu156Pro (LRG_386t1); short protein forms L156P.
Identifiers: ClinVar variation 181036 (VCV000181036.25), dbSNP rs730880616, ClinGen allele CA015178.